The following is an entry in ClinVar:

ClinVar aggregate classification (germline): Conflicting classifications of pathogenicity. Review status: criteria provided, conflicting classifications (1 of 4 stars). 2 submissions from 2 submitters: Likely pathogenic (1); Uncertain significance (1). Last evaluated 2025-03-17.

Conditions:
Mucolipidosis type II. Also called: Mucolipidosis 2; ML 2; Inclusion cell disease; Leroy Disease; N-acetylglucosamine 1phosphotransferase deficiency; ML disorder type 2. Identifiers: Orphanet 576, MedGen C2673377, MONDO:0009650, OMIM 252500.
Pseudo-Hurler polydystrophy. Also called: ML IIIA; Mucolipidosis III Alpha/Beta; MUCOLIPIDOSIS IIIA; ML III; ML III ALPHA/BETA; Type III Mucolipidosis. Identifiers: Orphanet 423461, Orphanet 577, MedGen C0033788, MONDO:0018931, OMIM 252600.

Allele frequency attached by ClinVar (database versions not stated): gnomAD exomes 0.00001; gnomAD 0.00001; TOPMed 0.00002; ESP Exome Variant Server 0.00008.
gnomAD v4.1: 10 of 1,613,952 alleles (0.00062%); highest among the groups gnomAD compares: South Asian, 0.0044%; no homozygotes.

Submissions (2):

Labcorp Genetics (formerly Invitae), Labcorp
Classification: Likely pathogenic for Pseudo-Hurler polydystrophy; Mucolipidosis type II. Last evaluated: 2025-03-17. Review status: criteria provided, single submitter. Criteria: Invitae Variant Classification Sherloc (09022015). Collection method: clinical testing. Allele origin: germline.
Comment: This sequence change replaces arginine, which is basic and polar, with glutamine, which is neutral and polar, at codon 587 of the GNPTAB protein (p.Arg587Gln). This variant is present in population databases (rs143788461, gnomAD 0.003%). This variant has not been reported in the literature in individuals affected with GNPTAB-related conditions. ClinVar contains an entry for this variant (Variation ID: 2202148). Invitae Evidence Modeling of protein sequence and biophysical properties (such as structural, functional, and spatial information, amino acid conservation, physicochemical variation, residue mobility, and thermodynamic stability) indicates that this missense variant is expected to disrupt GNPTAB protein function with a positive predictive value of 80%. This variant disrupts the p.Arg587 amino acid residue in GNPTAB. Other variant(s) that disrupt this residue have been determined to be pathogenic (PMID: 17034777; internal data). This suggests that this residue is clinically significant, and that variants that disrupt this residue are likely to be disease-causing. In summary, the currently available evidence indicates that the variant is pathogenic, but additional data are needed to prove that conclusively. Therefore, this variant has been classified as Likely Pathogenic.

Women's Health and Genetics/Laboratory Corporation of America, LabCorp
Classification: Uncertain significance. Last evaluated: 2024-04-11. Review status: criteria provided, single submitter. Criteria: LabCorp Variant Classification Summary - May 2015. Collection method: clinical testing. Allele origin: germline.
Comment: Variant summary: GNPTAB c.1760G>A (p.Arg587Gln) results in a conservative amino acid change in the encoded protein sequence. Four of five in-silico tools predict a damaging effect of the variant on protein function. The variant allele was found at a frequency of 4e-06 in 251420 control chromosomes. The available data on variant occurrences in the general population are insufficient to allow any conclusion about variant significance. To our knowledge, no occurrence of c.1760G>A in individuals affected with Mucolipidosis and no experimental evidence demonstrating its impact on protein function have been reported. ClinVar contains an entry for this variant (Variation ID: 2202148). Based on the evidence outlined above, the variant was classified as uncertain significance.

Literature cited by the submitters: PubMed 17034777 (cited by Labcorp Genetics (formerly Invitae), Labcorp).

NM_024312.5(GNPTAB):c.1760G>A (p.Arg587Gln)

Gene: GNPTAB (N-acetylglucosamine-1-phosphate transferase subunits alpha and beta; minus strand). Cytogenetic location: 12q23.2.
Variant type: single nucleotide variant.
Coding change: c.1760G>A on transcript NM_024312.5 (MANE Select); coding-DNA position 1760, G replaced by A.
Protein change: p.Arg587Gln; replaces arginine 587 with glutamine.
Molecular consequence: missense variant.
Genome position (GRCh38, 1-based): chr12:101,765,157, C>T on the plus strand (G>A on the coding strand, the complement: GNPTAB is on the minus strand). VCF-style: chr12-101765157-C-T. GRCh37 (hg19) VCF-style: chr12-102158935-C-T.
Other names: short protein forms R587Q.
Identifiers: ClinVar variation 2202148 (VCV002202148.5), dbSNP rs143788461, ClinGen allele CA242457138.